The following is an entry in ClinVar:

NM_005902.4(SMAD3):c.246_247dup (p.Leu83fs)

Gene: SMAD3 (SMAD family member 3; plus strand). Cytogenetic location: 15q22.33.
Variant type: Duplication.
Coding change: c.246_247dup on transcript NM_005902.4 (MANE Select); coding-DNA positions 246 to 247, 2 bases duplicated (GC; older notation c.246_247dupGC).
Protein change: p.Leu83fs; shifts the reading frame from leucine 83.
Molecular consequence: frameshift variant. On other transcripts: 5 prime UTR variant (1).
Genome position (GRCh38, 1-based): chr15:67,164,934-67,164,935, GC duplicated. VCF-style (leftmost placement, unchanged base first): chr15-67164933-G-GGC. GRCh37 (hg19) VCF-style: chr15-67457271-G-GGC.
Other names: c.-70_-69dup (NM_001145102.2); c.114_115dup, p.Leu39fs (NM_001145103.2); short protein forms L39fs, L83fs.
Identifiers: ClinVar variation 405565 (VCV000405565.6), dbSNP rs1555412070, ClinGen allele CA16614482.
Genomic context (GRCh38, chr15:67,164,933, plus strand): 5'-CTGCCCCTCCCCGTCCTGGCAGGTCCCTGGATGGCCGGTTGCAGGTGTCCCATCGGAAGG[G>GGC]GCTCCCTCATGTCATCTACTGCCGCCTGTGGCGATGGCCAGACCTGCACAGCCACCACGA-3'

ClinVar aggregate classification (germline): Pathogenic (1 of 4 stars; one submission).

Conditions:
Familial thoracic aortic aneurysm and aortic dissection (TAAD). Also called: Thoracic aortic aneurysms and dissections. Identifiers: Orphanet 91387, MedGen C4707243, MONDO:0019625.

Submission:

Labcorp Genetics (formerly Invitae), Labcorp
Classification: Pathogenic for Familial thoracic aortic aneurysm and aortic dissection. Last evaluated: 2016-11-24. Review status: criteria provided, single submitter. Criteria: Invitae Variant Classification Sherloc (09022015). Collection method: clinical testing. Allele origin: germline.
Comment: This sequence change inserts 2 nucleotide in exon 2 of the SMAD3 mRNA (c.246_247dupGC), causing a frameshift at codon 83. This creates a premature translational stop signal (p.Leu83Argfs*34) and is expected to result in an absent or disrupted protein product. While this particular variant has not been reported in the literature, loss-of-function variants in SMAD3 are known to be pathogenic (PMID: 21778426, 24804794). For these reasons, this variant has been classified as Pathogenic.

Literature cited by the submitters: PubMed 21778426; PubMed 24804794.